The following is an entry in ClinVar:

NM_032638.5(GATA2):c.676G>A (p.Gly226Ser)

Gene: GATA2 (GATA binding protein 2; minus strand). Cytogenetic location: 3q21.3.
Variant type: single nucleotide variant.
Coding change: c.676G>A on transcript NM_032638.5 (MANE Select); coding-DNA position 676, G replaced by A.
Protein change: p.Gly226Ser; replaces glycine 226 with serine.
Molecular consequence: missense variant.
Genome position (GRCh38, 1-based): chr3:128,485,922, C>T on the plus strand (G>A on the coding strand, the complement: GATA2 is on the minus strand). VCF-style: chr3-128485922-C-T. GRCh37 (hg19) VCF-style: chr3-128204765-C-T.
Other names: c.676G>A, p.Gly226Ser (NM_001145661.2, NM_001145662.1); c.676G>A (NM_032638.4); short protein forms G226S.
Identifiers: ClinVar variation 1354702 (VCV001354702.9), dbSNP rs2107672179, ClinGen allele CA354406269.

ClinVar aggregate classification (germline): Uncertain significance. Review status: criteria provided, multiple submitters, no conflicts (2 of 4 stars). 2 submissions from 2 submitters: Uncertain significance (2). Last evaluated 2025-01-11.

Conditions:
Inborn genetic diseases. Identifiers: MedGen C0950123, MeSH D030342.
Deafness-lymphedema-leukemia syndrome. Also called: Lymphedema, primary, with myelodysplasia; Emberger syndrome. Identifiers: Orphanet 3226, MedGen C3279664, MONDO:0013540, OMIM 614038.
Monocytopenia with susceptibility to infections. Also called: IMMUNODEFICIENCY 21; GATA2 DEFICIENCY; MONOCYTOPENIA AND MYCOBACTERIAL INFECTION SYNDROME; MONOCYTOPENIA WITH SUSCEPTIBILITY TO MYCOBACTERIAL, FUNGAL, AND PAPILLOMAVIRUS INFECTIONS AND MYELODYSPLASIA; COMBINED IMMUNODEFICIENCY WITH SUSCEPTIBILITY TO MYCOBACTERIAL, VIRAL, AND FUNGAL INFECTIONS; Dendritic cell, monocyte, B lymphocyte, and natural killer lymphocyte deficiency. Identifiers: Orphanet 228423, MedGen C3280030, MONDO:0013607, OMIM 614172.

Submissions (2):

Ambry Genetics
Classification: Uncertain significance for Inborn genetic diseases. Last evaluated: 2025-01-11. Review status: criteria provided, single submitter. Criteria: Ambry Variant Classification Scheme 2023. Collection method: clinical testing. Allele origin: germline.
Comment: The p.G226S variant (also known as c.676G>A), located in coding exon 2 of the GATA2 gene, results from a G to A substitution at nucleotide position 676. The glycine at codon 226 is replaced by serine, an amino acid with similar properties. This amino acid position is conserved. In addition, this alteration is predicted to be tolerated by in silico analysis. Based on the available evidence, the clinical significance of this variant remains unclear.

Labcorp Genetics (formerly Invitae), Labcorp
Classification: Uncertain significance for Monocytopenia with susceptibility to infections; Deafness-lymphedema-leukemia syndrome. Last evaluated: 2022-02-28. Review status: criteria provided, single submitter. Criteria: Invitae Variant Classification Sherloc (09022015). Collection method: clinical testing. Allele origin: germline.
Comment: In summary, the available evidence is currently insufficient to determine the role of this variant in disease. Therefore, it has been classified as a Variant of Uncertain Significance. Advanced modeling of protein sequence and biophysical properties (such as structural, functional, and spatial information, amino acid conservation, physicochemical variation, residue mobility, and thermodynamic stability) performed at Invitae indicates that this missense variant is not expected to disrupt GATA2 protein function. This variant has not been reported in the literature in individuals affected with GATA2-related conditions. This variant is not present in population databases (gnomAD no frequency). This sequence change replaces glycine, which is neutral and non-polar, with serine, which is neutral and polar, at codon 226 of the GATA2 protein (p.Gly226Ser).